The following continues an entry in ClinVar:

NM_000256.3(MYBPC3):c.3330+5G>C

Gene: MYBPC3. ClinVar aggregate classification (germline): Pathogenic/Likely pathogenic. Pathogenic (21); Likely pathogenic (1).

Submissions 10 to 26 of 26:

Illumina Laboratory Services, Illumina
Classification: Pathogenic for Hypertrophic cardiomyopathy 4. Last evaluated: 2023-07-25. Review status: criteria provided, single submitter. Criteria: ICSLVariantClassificationCriteria RUGD 01 April 2020. Collection method: clinical testing. Allele origin: unknown.
Comment: The MYBPC3 c.3330+5G>C variant, also known as IVS30+5G>C, results in the substitution of a guanine with a cytosine within a splice region near a canonical splice donor site. Functional studies have shown that this variant results in the skipping of exon 30, causing a shift in the protein reading frame that is predicted to result in premature termination of the protein (PMID: 7493025; PMID: 28679633). Loss of normal protein function through nonsense-mediated mRNA decay is expected. This variant has been identified in individuals with hypertrophic cardiomyopathy (PMID: 7493025; PMID: 23534983; PMID: 24704860; PMID: 29212898; PMID: 30550750). This variant is not observed at a significant frequency in version 2.1.1 or version 3.1.2 of the Genome Aggregation Database. This variant has been shown to segregate with disease in a multigenerational family (PMID: 7493025). Based on the available evidence, the MYBPC3 c.3330+5G>C variant is classified as pathogenic for hypertrophic cardiomyopathy.

Molecular Diagnostic Laboratory for Inherited Cardiovascular Disease, Montreal Heart Institute
Classification: Pathogenic for Cardiovascular phenotype. Last evaluated: 2023-07-18. Review status: criteria provided, single submitter. Criteria: ACMG Guidelines, 2015. Collection method: clinical testing. Allele origin: germline. Affected: yes.

CHEO Genetics Diagnostic Laboratory, Children's Hospital of Eastern Ontario
Classification: Pathogenic for Cardiomyopathy. Last evaluated: 2023-05-05. Review status: criteria provided, single submitter. Criteria: ACMG Guidelines, 2015. Collection method: clinical testing. Allele origin: germline.

Baylor Genetics
Classification: Pathogenic for Left ventricular noncompaction 10. Last evaluated: 2022-11-07. Review status: criteria provided, single submitter. Criteria: ACMG Guidelines, 2015. Collection method: clinical testing. Allele origin: unknown.

Baylor Genetics
Classification: Pathogenic for Hypertrophic cardiomyopathy 4. Last evaluated: 2022-11-07. Review status: criteria provided, single submitter. Criteria: ACMG Guidelines, 2015. Collection method: clinical testing. Allele origin: unknown.

GeneDx
Classification: Pathogenic. Last evaluated: 2022-04-04. Review status: criteria provided, single submitter. Criteria: GeneDx Variant Classification Process June 2021. Collection method: clinical testing. Allele origin: germline. Affected: yes.
Comment: Splice site variant demonstrated to result in loss-of-function (Watkins et al., 1995); Other splice site variants in the MYBPC3 gene have been reported in the Human Gene Mutation Database in association with cardiomyopathy, including two other nucleotide substitutions at the same intronic position (c.3330+5 G>T, c.3330+5 G>A) (HGMD); This variant is associated with the following publications: (PMID: 24033266, 23782526, 25351510, 29121657, 30550750, 7493025, 23534983, 24704860, 28518168, 26688388, 28679633, 28138913, 29212898, 25611685, 23054336, 31028938, 31447099, 33906374)

Victorian Clinical Genetics Services, Murdoch Childrens Research Institute
Classification: Pathogenic for Hypertrophic cardiomyopathy 4. Last evaluated: 2022-02-02. Review status: criteria provided, single submitter. Criteria: ACMG Guidelines, 2015. Collection method: clinical testing. Allele origin: germline. Affected: yes.
Comment: Based on the classification scheme VCGS_Germline_v1.3.4, this variant is classified as Pathogenic. Following criteria are met: 0102 - Loss of function is a known mechanism of disease in this gene and is associated with hypertrophic cardiomyopathy 4 (HCM; MIM#115197). (I) 0108 - This gene is associated with both recessive and dominant disease. Dominant inheritance is frequently reported in adult onset conditions, however recessive inheritance results in a more severe early onset phenotype (OMIM). (I) 0115 - Variants in this gene are known to have variable expressivity (PMID: 32841044). (I) 0210 - Splice site variant proven to affect splicing of the transcript with a known effect on protein sequence. This variant has been shown to cause skipping of exon 30, resulting in a frameshift (PMID: 7493025), which is predicted to result in nonsense-mediated decay (NMD). (SP) 0251 - This variant is heterozygous. (I) 0302 - Variant is present in gnomAD (v3) <0.001 for a dominant condition (11 heterozygotes, 0 homozygotes). (SP) 0311 - An alternative nucleotide change at the same splice site, is present in gnomAD (v3; 2 heterozygotes, 0 homozygotes). (SB) 0701 - Other NMD predicted variants comparable to the one identified in this case have very strong previous evidence for pathogenicity. Other variants predicted to cause NMD have been reported as pathogenic in ClinVar. In addition, two different nucleotide substitutions at the same splice site, c.3330+5G>T and c.3330+5G>A, have also been reported as pathogenic for HCM in ClinVar. (SP) 0801 - This variant has strong previous evidence of pathogenicity in unrelated individuals. This variant has been reported in multiple individuals with HCM (ClinVar, LOVD, PMID: 7493025, 29212898, 24704860, 29625023, 31028938). (SP) 0902 - This variant has moderate evidence for segregation with disease. This variant has been reported to segregate in a multigenerational family with HCM (PMID: 7493025). (SP) 1208 - Inheritance information for this variant is not currently available in this individual. (I) Legend: (SP) - Supporting pathogenic, (I) - Information, (SB) - Supporting benign

AiLife Diagnostics
Classification: Pathogenic. Last evaluated: 2021-12-28. Review status: criteria provided, single submitter. Criteria: ACMG Guidelines, 2015. Collection method: clinical testing. Allele origin: germline. Affected: yes. Observed: 1 variant allele.

Fulgent Genetics
Classification: Pathogenic for Hypertrophic cardiomyopathy 4; Left ventricular noncompaction 10. Last evaluated: 2021-10-17. Review status: criteria provided, single submitter. Criteria: ACMG Guidelines, 2015. Collection method: clinical testing. Allele origin: unknown.

Women's Health and Genetics/Laboratory Corporation of America, LabCorp
Classification: Pathogenic for Primary familial hypertrophic cardiomyopathy. Last evaluated: 2020-10-19. Review status: criteria provided, single submitter. Criteria: LabCorp Variant Classification Summary - May 2015. Collection method: clinical testing. Allele origin: germline.
Comment: Variant summary: MYBPC3 c.3330+5G>C alters a conserved nucleotide located close to a canonical splice site and therefore could affect mRNA splicing, leading to a significantly altered protein sequence. Several computational tools predict a significant impact on normal splicing: Two predict the variant abolishes a 5 splicing donor site and two predict it weakens a 5' donor site. At least two publications report experimental evidence that this variant affects mRNA splicing (Watkins_1995, Ito_2017). The variant allele was found at a frequency of 1.8e-05 in 227264 control chromosomes (gnomAD and publication). c.3330+5G>C has been reported in the literature in multiple individuals affected with Hypertrophic Cardiomyopathy (e.g. Watkins_1995, Nunez_2013, Captur_2014, Miller_2017), including a large family in which the variant segregated with the disease (Watkins_1995). These data indicate that the variant is very likely to be associated with disease. Nine ClinVar submitters (evaluation after 2014) cite the variant as pathogenic/likely pathogenic. Based on the evidence outlined above, the variant was classified as pathogenic.

HudsonAlpha Institute for Biotechnology
Classification: Pathogenic for Hypertrophic cardiomyopathy 4. Last evaluated: 2020-01-14. Review status: criteria provided, single submitter. Criteria: ACMG Guidelines, 2015. Collection method: research. Allele origin: unknown. Observed: 1 variant allele. Study: AGHI_GT.

Laboratory for Molecular Medicine, Mass General Brigham Personalized Medicine
Classification: Pathogenic for Hypertrophic cardiomyopathy. Last evaluated: 2019-04-04. Review status: criteria provided, single submitter. Criteria: ACMG Guidelines, 2015. Collection method: clinical testing. Allele origin: germline. Inheritance: Autosomal dominant inheritance.
Comment: The c.3330+5G>C variant in MYBPC3 has been reported in >12 individuals with HCM and segregated with disease in 8 affected relatives from 3 families (Watkins 1995, Captur 2014, LMM data). It has also been reported by other clinical laboratories in ClinVar (Variation ID 7493025) and has been identified in 7/22230 African chromosomes by the Genome Aggregation Database. This variant has been shown to cause skipping of exon 30, resulting in a frameshift and premature stop codon, which is predicted to lead to truncated or absent protein (Watkins 1995). Heterozygous loss of MYBPC3 function is an established disease mechanism in individuals with HCM. In summary, this variant meets criteria to be classified as pathogenic for HCM in an autosomal dominant manner based upon presence in multiple affected individuals, very low frequency in the general population, segregation studies and the predicted impact to the protein. ACMG/AMP Criteria applied (Richards 2015): PS4_moderate, PM2, PP1_Strong, PVS1.

Stanford Center for Inherited Cardiovascular Disease, Stanford University
Classification: Likely pathogenic. Last evaluated: 2015-06-18. Review status: criteria provided, single submitter. Criteria: ACMG Guidelines, 2015. Collection method: provider interpretation. Allele origin: germline.

Clinical Genetics, Academic Medical Center
Classification: Pathogenic. Review status: no assertion criteria provided. Collection method: clinical testing. Allele origin: germline. Affected: yes. Study: VKGL Data-share Consensus. Not counted in ClinVar's aggregate classification.

Genome Diagnostics Laboratory, Amsterdam University Medical Center
Classification: Pathogenic. Review status: no assertion criteria provided. Collection method: clinical testing. Allele origin: germline. Affected: yes. Study: VKGL Data-share Consensus. Not counted in ClinVar's aggregate classification.

Genome Diagnostics Laboratory, University Medical Center Utrecht
Classification: Pathogenic. Review status: no assertion criteria provided. Collection method: clinical testing. Allele origin: germline. Affected: yes. Study: VKGL Data-share Consensus. Not counted in ClinVar's aggregate classification.

HudsonAlpha Institute for Biotechnology
Classification: Likely pathogenic for Hypertrophic cardiomyopathy 4. Last evaluated: 2020-01-06. Review status: flagged submission. Criteria: ACMG Guidelines, 2015. Collection method: research. Allele origin: unknown. Observed: 1 variant allele. Study: CSER-SouthSeq. Not counted in ClinVar's aggregate classification.
Comment: ACMG codes: PS3, PP1, PP3, PP5
ClinVar note: Reason: This record appears to be redundant with a more recent record from the same submitter.
ClinVar note: Notes: SCV001190489 appears to be redundant with SCV001423819.

Literature cited by the submitters: PubMed 7493025 (cited by 11 submitters); PubMed 17576681 (cited by Labcorp Genetics (formerly Invitae), Labcorp); PubMed 9536098 (cited by Labcorp Genetics (formerly Invitae), Labcorp); PubMed 23782526 (cited by 6 submitters); PubMed 24704860 (cited by 7 submitters); PubMed 28679633 (cited by 6 submitters); PubMed 29212898 (cited by 7 submitters); PubMed 33906374 (cited by Mayo Clinic Laboratories, Mayo Clinic); PubMed 34400558 (cited by Mayo Clinic Laboratories, Mayo Clinic); PubMed 25611685 (cited by 3 submitters); PubMed 28193612 (cited by All of Us Research Program, National Institutes of Health and Color Diagnostics, LLC DBA Color Health); PubMed 29121657 (cited by 3 submitters); PubMed 30550750 (cited by 5 submitters); PubMed 35508642 (cited by All of Us Research Program, National Institutes of Health and Color Diagnostics, LLC DBA Color Health); PubMed 36704059 (cited by All of Us Research Program, National Institutes of Health and Color Diagnostics, LLC DBA Color Health); PubMed 34461741 (cited by New York Genome Center); PubMed 37652022 (cited by New York Genome Center); PubMed 23054336 (cited by Ambry Genetics); PubMed 25132132 (cited by Ambry Genetics); PubMed 23534983 (cited by Illumina Laboratory Services, Illumina and Laboratory for Molecular Medicine, Mass General Brigham Personalized Medicine); PubMed 28790153 (cited by Illumina Laboratory Services, Illumina); PubMed 28138913 (cited by Victorian Clinical Genetics Services, Murdoch Childrens Research Institute); PubMed 29625023 (cited by Victorian Clinical Genetics Services, Murdoch Childrens Research Institute); PubMed 31028938 (cited by Victorian Clinical Genetics Services, Murdoch Childrens Research Institute); PubMed 32841044 (cited by Victorian Clinical Genetics Services, Murdoch Childrens Research Institute); PubMed 28518168 (cited by AiLife Diagnostics); PubMed 31447099 (cited by AiLife Diagnostics).